The following is an entry in ClinVar:

NM_001128178.3(NPHP1):c.772-17G>A

Gene: NPHP1 (nephrocystin 1; minus strand). Cytogenetic location: 2q13.
Variant type: single nucleotide variant.
Coding change: c.772-17G>A on transcript NM_001128178.3 (MANE Select); 17 bases into the intron before coding-DNA position 772, G replaced by A.
Molecular consequence: intron variant.
Genome position (GRCh38, 1-based): chr2:110,163,152, C>T on the plus strand (G>A on the coding strand, the complement: NPHP1 is on the minus strand). VCF-style: chr2-110163152-C-T. GRCh37 (hg19) VCF-style: chr2-110920729-C-T.
Other names: p.?; c.586-20G>A (NM_001128179.3); c.772-20G>A (NM_001374256.1); c.772-17G>A (NM_001374257.1); c.940-20G>A (NM_207181.4); c.940-17G>A (NM_000272.5, NM_000272.4).
Identifiers: ClinVar variation 199003 (VCV000199003.49), dbSNP rs146343637, ClinGen allele CA203708.
Genomic context (GRCh38, chr2:110,163,152, plus strand): 5'-GGAATAGCTCCCATCGTAGTTAACACATCAACAGTGTTTATCTGCTGAAGACAGTAACAT[C>T]AAAATGGATTTGTTTTCAGTCATGTTTCTGCATCTCTATAATACTTTATCACTAGAGTAA-3'

ClinVar aggregate classification (germline): Benign/Likely benign. Review status: criteria provided, multiple submitters, no conflicts (2 of 4 stars). 9 submissions from 9 submitters: Benign (3); Likely benign (4). 2 of the submissions do not count toward it. Last evaluated 2026-08-01.

Conditions:
Nephronophthisis. Also called: Juvenile Nephronophthisis. Identifiers: Orphanet 655, MedGen C0687120, MONDO:0019005, HP:0000090.

Allele frequency attached by ClinVar (database versions not stated): 1000 Genomes Project 30x 0.00422; 1000 Genomes Project 0.00439; TOPMed 0.00504; ESP Exome Variant Server 0.00523; gnomAD 0.00839 and 0.00862; gnomAD exomes 0.00858 and 0.01024; ExAC 0.00897.
gnomAD v4.1: 13,377 of 1,558,244 alleles (0.86%); highest among the groups gnomAD compares: Middle Eastern, 1.4%; 145 homozygotes.

Submissions (9):

CeGaT Center for Human Genetics Tuebingen
Classification: Likely benign. Last evaluated: 2026-08-01. Review status: criteria provided, single submitter. Criteria: CeGaT Center For Human Genetics Tuebingen Variant Classification Criteria Version 2. Collection method: clinical testing. Allele origin: germline. Affected: yes. Observed: 20 variant alleles.
Comment: NPHP1: BS2

Labcorp Genetics (formerly Invitae), Labcorp
Classification: Benign for Nephronophthisis. Last evaluated: 2026-02-02. Review status: criteria provided, single submitter. Criteria: Invitae Variant Classification Sherloc (09022015). Collection method: clinical testing. Allele origin: germline.

Mayo Clinic Laboratories, Mayo Clinic
Classification: Benign. Last evaluated: 2021-11-19. Review status: criteria provided, single submitter. Criteria: ACMG Guidelines, 2015. Collection method: clinical testing. Allele origin: germline. Observed: 6 variant alleles.
Comment: BA1, BP4

GeneDx
Classification: Likely benign. Last evaluated: 2018-10-16. Review status: criteria provided, single submitter. Criteria: GeneDx Variant Classification Process June 2021. Collection method: clinical testing. Allele origin: germline. Affected: yes.

Eurofins Ntd Llc (ga)
Classification: Likely benign. Last evaluated: 2014-09-18. Review status: criteria provided, single submitter. Criteria: EGL Classification Definitions 2015. Collection method: clinical testing. Allele origin: germline. Observed: 3 variant alleles, 3 heterozygotes.

Breakthrough Genomics
Classification: Likely benign. Review status: criteria provided, single submitter. Criteria: ACMG Guidelines, 2015. Collection method: not provided. Allele origin: germline. Inheritance: Autosomal recessive inheritance. Affected: yes.

PreventionGenetics, part of Exact Sciences
Classification: Benign. Review status: criteria provided, single submitter. Criteria: ACMG Guidelines, 2015. Collection method: clinical testing. Allele origin: germline.

Clinical Genetics DNA and cytogenetics Diagnostics Lab, Erasmus MC, Erasmus Medical Center
Classification: Benign. Review status: no assertion criteria provided. Collection method: clinical testing. Allele origin: germline. Affected: yes. Study: VKGL Data-share Consensus. Not counted in ClinVar's aggregate classification.

Joint Genome Diagnostic Labs from Nijmegen and Maastricht, Radboudumc and MUMC+
Classification: Benign. Review status: no assertion criteria provided. Collection method: clinical testing. Allele origin: germline. Affected: yes. Study: VKGL Data-share Consensus. Not counted in ClinVar's aggregate classification.